The following is an entry in ClinVar:

NM_032408.4(BAZ1B):c.3879C>T (p.Ser1293=)

Gene: BAZ1B (bromodomain adjacent to zinc finger domain 1B; minus strand). Cytogenetic location: 7q11.23.
Variant type: single nucleotide variant.
Coding change: c.3879C>T on transcript NM_032408.4 (MANE Select); coding-DNA position 3879, C replaced by T.
Protein change: p.Ser1293=; no amino-acid change (serine 1293 retained).
Molecular consequence: synonymous variant.
Genome position (GRCh38, 1-based): chr7:73,444,095, G>A on the plus strand (C>T on the coding strand, the complement: BAZ1B is on the minus strand). VCF-style: chr7-73444095-G-A. GRCh37 (hg19) VCF-style: chr7-72858425-G-A.
Other names: c.3879C>T, p.Ser1293= (NM_001370402.1).
Identifiers: ClinVar variation 4084656 (VCV004084656.8).
Genomic context (GRCh38, chr7:73,444,095, plus strand): 5'-CCTGGTAGAGTGTGGCTTCTTACCCGGGCGCCGGCCTGACCTTGCTGCAGGGGGGATGAC[G>A]CTGTGCTTGCCCCGGATGGTCTTTCGAGGTCTCACTGAAAGAAAAACTATGGATTCAGCA-3'
Protein context (NP_115784.1, residues 1283-1303): RPRKTIRGKH[Ser1293=]VIPPAARSGR

ClinVar aggregate classification (germline): Likely benign (1 of 4 stars; one submission).

gnomAD v4.1: 10 of 1,610,398 alleles (0.00062%); highest among the groups gnomAD compares: Admixed American, 0.0017%; no homozygotes.

Submission:

CeGaT Center for Human Genetics Tuebingen
Classification: Likely benign. Last evaluated: 2025-08-01. Review status: criteria provided, single submitter. Criteria: CeGaT Center For Human Genetics Tuebingen Variant Classification Criteria Version 2. Collection method: clinical testing. Allele origin: germline. Affected: yes. Observed: 1 variant allele.
Comment: BAZ1B: BP4, BP7